The following is an entry in ClinVar:

NM_001080467.3(MYO5B):c.3438C>T (p.Phe1146=)

Gene: MYO5B (myosin VB; minus strand). Cytogenetic location: 18q21.1.
Variant type: single nucleotide variant.
Coding change: c.3438C>T on transcript NM_001080467.3 (MANE Select); coding-DNA position 3438, C replaced by T.
Protein change: p.Phe1146=; no amino-acid change (phenylalanine 1146 retained).
Molecular consequence: synonymous variant.
Genome position (GRCh38, 1-based): chr18:49,875,786, G>A on the plus strand (C>T on the coding strand, the complement: MYO5B is on the minus strand). VCF-style: chr18-49875786-G-A. GRCh37 (hg19) VCF-style: chr18-47402156-G-A.
Other names: c.3438C>T (NM_001080467.2).
Identifiers: ClinVar variation 1552915 (VCV001552915.9), dbSNP rs375916067, ClinGen allele CA8960715.
Genomic context (GRCh38, chr18:49,875,786, plus strand): 5'-CTGCACTTGCAGCTTTTTCCTCTCCTGCTCCAGCTCCCGTACTCTCTTCTGCAGCTTCAG[G>A]AAGACCGTCATGTCCATGGCTGCCTTCTCCAGGCCAATTTCCTTCAAAGGAAGACAGGCA-3'
Protein context (NP_001073936.1, residues 1136-1156): LEKAAMDMTV[Phe1146=]LKLQKRVREL

ClinVar aggregate classification (germline): Likely benign. Review status: criteria provided, multiple submitters, no conflicts (2 of 4 stars). 2 submissions from 2 submitters: Likely benign (2). Last evaluated 2025-03-25.

Conditions:
MYO5B-related disorder. Also called: MYO5B-related condition.

Allele frequency attached by ClinVar (database versions not stated): gnomAD 0.00001 and 0.00002; ExAC 0.00002; gnomAD exomes 0.00002 and 0.00007; TOPMed 0.00004; ESP Exome Variant Server 0.00016.
gnomAD v4.1: 104 of 1,614,016 alleles (0.0064%); highest among the groups gnomAD compares: Non-Finnish European, 0.008%; no homozygotes.

Submissions (2):

Labcorp Genetics (formerly Invitae), Labcorp
Classification: Likely benign. Last evaluated: 2025-03-25. Review status: criteria provided, single submitter. Criteria: Invitae Variant Classification Sherloc (09022015). Collection method: clinical testing. Allele origin: germline.

PreventionGenetics, part of Exact Sciences
Classification: Likely benign for MYO5B-related condition. Last evaluated: 2025-01-28. Review status: criteria provided, single submitter. Criteria: ACMG Guidelines, 2015. Collection method: clinical testing. Allele origin: germline.
Comment: This variant is classified as likely benign based on ACMG/AMP sequence variant interpretation guidelines (Richards et al. 2015 PMID: 25741868, with internal and published modifications).